The following is an entry in ClinVar:

NM_003640.5(ELP1):c.3608del (p.Lys1203fs)

Gene: ELP1 (elongator acetyltransferase complex subunit 1; minus strand). Cytogenetic location: 9q31.3.
Variant type: Deletion.
Coding change: c.3608del on transcript NM_003640.5 (MANE Select); coding-DNA position 3608, one base deleted (A; older notation c.3608delA).
Protein change: p.Lys1203fs; shifts the reading frame from lysine 1203.
Molecular consequence: frameshift variant.
Genome position (GRCh38, 1-based): chr9:108,878,715, T deleted on the plus strand (A on the coding strand, the reverse complement: ELP1 is on the minus strand); the first of 2 consecutive T bases (chr9:108,878,715-108,878,716); deleting either gives the same sequence. VCF-style (leftmost placement, unchanged base first): chr9-108878714-CT-C. GRCh37 (hg19) VCF-style: chr9-111640994-CT-C.
Other names: c.3266del, p.Lys1089fs (NM_001318360.2); c.2561del, p.Lys854fs (NM_001330749.2); short protein forms K1203fs, K1089fs, K854fs.
Identifiers: ClinVar variation 2753054 (VCV002753054.3), dbSNP rs2537856439, ClinGen allele CA2697557951.
Genomic context (GRCh38, chr9:108,878,714, plus strand): 5'-ACTCAGTGCCTCCAGGAGGGCCAGGTCCTCCAGCGGACTGCCTTCTTTGAGGCTGTGCTT[CT>C]TCCGCTCCGCTTTTCGGCGATTCTTGGATGATCTCCTGTTAGAAATTACACAGATATTTT-3'

ClinVar aggregate classification (germline): Pathogenic (1 of 4 stars; one submission).

Submission:

Labcorp Genetics (formerly Invitae), Labcorp
Classification: Pathogenic. Last evaluated: 2023-08-16. Review status: criteria provided, single submitter. Criteria: Invitae Variant Classification Sherloc (09022015). Collection method: clinical testing. Allele origin: germline.
Comment: For these reasons, this variant has been classified as Pathogenic. This variant has not been reported in the literature in individuals affected with ELP1-related conditions. This sequence change creates a premature translational stop signal (p.Lys1203Argfs*20) in the ELP1 gene. It is expected to result in an absent or disrupted protein product. Loss-of-function variants in ELP1 are known to be pathogenic (PMID: 18303054, 24173031). This variant is not present in population databases (gnomAD no frequency).

Literature cited by the submitters: PubMed 18303054; PubMed 24173031.